The following is an entry in ClinVar:

ClinVar aggregate classification (germline): Pathogenic (1 of 4 stars; one submission).

Conditions:
Ataxia-telangiectasia syndrome (AT). Also called: Ataxia-telangiectasia, complementation group E; Cerebello-oculocutaneous telangiectasia; Immunodeficiency with ataxia telangiectasia; Ataxia-telangiectasia, complementation group D; AT, COMPLEMENTATION GROUP C; Ataxia-telangiectasia. Identifiers: Orphanet 100, MedGen C0004135, MONDO:0008840, OMIM 208900.

Submission:

Labcorp Genetics (formerly Invitae), Labcorp
Classification: Pathogenic for Ataxia-telangiectasia syndrome. Last evaluated: 2019-12-26. Review status: criteria provided, single submitter. Criteria: Invitae Variant Classification Sherloc (09022015). Collection method: clinical testing. Allele origin: germline.
Comment: For these reasons, this variant has been classified as Pathogenic. Loss-of-function variants in ATM are known to be pathogenic (PMID: 23807571, 25614872). This variant has not been reported in the literature in individuals with ATM-related conditions. This variant is not present in population databases (ExAC no frequency). This sequence change creates a premature translational stop signal (p.Glu26Leufs*7) in the ATM gene. It is expected to result in an absent or disrupted protein product.

Literature cited by the submitters: PubMed 23807571; PubMed 25614872.

NM_000051.4(ATM):c.76_79del (p.Glu26fs)

Gene: ATM (ATM serine/threonine kinase; plus strand). Cytogenetic location: 11q22.3.
Variant type: Deletion.
Coding change: c.76_79del on transcript NM_000051.4 (MANE Select); coding-DNA positions 76 to 79, 4 bases deleted (GAAG; older notation c.76_79delGAAG).
Protein change: p.Glu26fs; shifts the reading frame from glutamic acid 26.
Molecular consequence: frameshift variant.
Genome position (GRCh38, 1-based): chr11:108,227,779-108,227,782, GAAG deleted. VCF-style (leftmost placement, unchanged base first): chr11-108227778-AGAAG-A. GRCh37 (hg19) VCF-style: chr11-108098505-AGAAG-A.
Other names: c.76_79del, p.Glu26fs (NM_001351834.2, NM_001351835.2, NM_001351836.2); short protein forms E26fs.
Identifiers: ClinVar variation 850195 (VCV000850195.8), dbSNP rs2078816952, ClinGen allele CA916080434.